The following is an entry in ClinVar:

ClinVar aggregate classification (germline): Conflicting classifications of pathogenicity. Review status: criteria provided, conflicting classifications (1 of 4 stars). 6 submissions from 6 submitters: Uncertain significance (4); Likely benign (1). 1 of the submissions does not count toward it. Last evaluated 2025-11-17.

Conditions:
Inborn genetic diseases. Identifiers: MedGen C0950123, MeSH D030342.
Neuromuscular disease caused by qualitative or quantitative defects of dysferlin. Also called: Dysferlinopathy; Qualitative or quantitative defects of dysferlin. Identifiers: Orphanet 207073, MedGen C2931687, MONDO:0016145.
Autosomal recessive limb-girdle muscular dystrophy type 2B (LGMDR2). Also called: MUSCULAR DYSTROPHY, LIMB-GIRDLE, AUTOSOMAL RECESSIVE 2; Limb-girdle muscular dystrophy, type 2B; MUSCULAR DYSTROPHY, LIMB-GIRDLE, TYPE 3; Limb-Girdle Muscular Dystrophy Type 2B (LGMD2B). Identifiers: Orphanet 268, MedGen C1850889, MONDO:0009676, OMIM 253601.

Allele frequency attached by ClinVar (database versions not stated): TOPMed 0.00002; ExAC 0.00005; gnomAD 0.00005; gnomAD exomes 0.00006.
gnomAD v4.1: 42 of 1,614,008 alleles (0.0026%); highest among the groups gnomAD compares: Non-Finnish European, 0.00042%; no homozygotes.

Submissions (6):

Labcorp Genetics (formerly Invitae), Labcorp
Classification: Likely benign for Neuromuscular disease caused by qualitative or quantitative defects of dysferlin. Last evaluated: 2025-11-17. Review status: criteria provided, single submitter. Criteria: Invitae Variant Classification Sherloc (09022015). Collection method: clinical testing. Allele origin: germline.

Ambry Genetics
Classification: Uncertain significance for Inborn genetic diseases. Last evaluated: 2025-05-28. Review status: criteria provided, single submitter. Criteria: Ambry Variant Classification Scheme 2023. Collection method: clinical testing. Allele origin: germline.

GeneDx
Classification: Uncertain significance. Last evaluated: 2025-04-07. Review status: criteria provided, single submitter. Criteria: GeneDx Variant Classification Process June 2021. Collection method: clinical testing. Allele origin: germline. Affected: yes.
Comment: In silico analysis supports that this missense variant has a deleterious effect on protein structure/function; Has not been previously published as pathogenic or benign to our knowledge; This variant is associated with the following publications: (PMID: 24438169)

Athena Diagnostics
Classification: Uncertain significance. Last evaluated: 2022-12-08. Review status: criteria provided, single submitter. Criteria: Athena Diagnostics Criteria. Collection method: clinical testing. Allele origin: unknown.
Comment: Available data are insufficient to determine the clinical significance of the variant at this time. The frequency of this variant in the general population is uninformative in assessment of its pathogenicity. Computational tools predict that this variant is damaging.

Eurofins Ntd Llc (ga)
Classification: Uncertain significance. Last evaluated: 2017-06-15. Review status: criteria provided, single submitter. Criteria: EGL Classification Definitions 2015. Collection method: clinical testing. Allele origin: germline. Observed: 1 variant allele, 1 heterozygote.

Natera, Inc.
Classification: Uncertain significance for Limb-girdle muscular dystrophy type 2B. Last evaluated: 2019-10-28. Review status: no assertion criteria provided. Collection method: clinical testing. Allele origin: germline. Not counted in ClinVar's aggregate classification.

NM_001130987.2(DYSF):c.132C>A (p.Asn44Lys)

Gene: DYSF (dysferlin; plus strand). Cytogenetic location: 2p13.2.
Variant type: single nucleotide variant.
Coding change: c.132C>A on transcript NM_001130987.2 (MANE Select); coding-DNA position 132, C replaced by A.
Protein change: p.Asn44Lys; replaces asparagine 44 with lysine.
Molecular consequence: missense variant.
Genome position (GRCh38, 1-based): chr2:71,480,923, C>A. VCF-style: chr2-71480923-C-A. GRCh37 (hg19) VCF-style: chr2-71708053-C-A.
Other names: c.132C>A, p.Asn44Lys (NM_001130455.2, NM_001130982.2, NM_001130983.2 and 3 more transcripts); c.129C>A, p.Asn43Lys (NM_001130976.2, NM_001130977.2, NM_001130978.2 and 4 more transcripts); short protein forms N43K, N44K.
Identifiers: ClinVar variation 502553 (VCV000502553.18), dbSNP rs772240035, ClinGen allele CA1705231.